The following is an entry in ClinVar:

NM_000059.4(BRCA2):c.4717T>C (p.Cys1573Arg)

Gene: BRCA2 (BRCA2 DNA repair associated; plus strand). Cytogenetic location: 13q13.1.
Variant type: single nucleotide variant.
Coding change: c.4717T>C on transcript NM_000059.4 (MANE Select); coding-DNA position 4717, T replaced by C.
Protein change: p.Cys1573Arg; replaces cysteine 1573 with arginine.
Molecular consequence: missense variant.
Genome position (GRCh38, 1-based): chr13:32,339,072, T>C. VCF-style: chr13-32339072-T-C. GRCh37 (hg19) VCF-style: chr13-32913209-T-C.
Other names: short protein forms C1573R.
Identifiers: ClinVar variation 628307 (VCV000628307.11), dbSNP rs56054233, ClinGen allele CA247508296.

ClinVar aggregate classification (germline): Conflicting classifications of pathogenicity. Review status: criteria provided, conflicting classifications (1 of 4 stars). 4 submissions from 4 submitters: Uncertain significance (3); Likely benign (1). Last evaluated 2026-01-10.

Conditions:
Hereditary cancer-predisposing syndrome. Also called: Neoplastic Syndromes, Hereditary; Tumor predisposition; Hereditary neoplastic syndrome; Hereditary Cancer Syndrome. Identifiers: Orphanet 140162, MedGen C0027672, MeSH D009386, MONDO:0015356.
Hereditary breast ovarian cancer syndrome. Also called: Hereditary breast and ovarian cancer syndrome; Hereditary breast and ovarian cancer; Hereditary breast and ovarian cancer syndrome (HBOC); Breast and ovarian cancer; Hereditary breast and/or ovarian cancer syndrome; BRCA1- and BRCA2-Associated Hereditary Breast and Ovarian Cancer. Identifiers: Orphanet 145, MedGen C0677776, MeSH D061325, MONDO:0003582. Disease mechanism: loss of function.

Submissions (4):

Women's Health and Genetics/Laboratory Corporation of America, LabCorp
Classification: Uncertain significance. Last evaluated: 2026-01-10. Review status: criteria provided, single submitter. Criteria: LabCorp Variant Classification Summary - May 2015. Collection method: clinical testing. Allele origin: germline.

Labcorp Genetics (formerly Invitae), Labcorp
Classification: Uncertain significance for Hereditary breast ovarian cancer syndrome. Last evaluated: 2025-07-09. Review status: criteria provided, single submitter. Criteria: Invitae Variant Classification Sherloc (09022015). Collection method: clinical testing. Allele origin: germline.
Comment: This sequence change replaces cysteine, which is neutral and slightly polar, with arginine, which is basic and polar, at codon 1573 of the BRCA2 protein (p.Cys1573Arg). This variant is not present in population databases (gnomAD no frequency). This variant has not been reported in the literature in individuals affected with BRCA2-related conditions. ClinVar contains an entry for this variant (Variation ID: 628307). Invitae Evidence Modeling of protein sequence and biophysical properties (such as structural, functional, and spatial information, amino acid conservation, physicochemical variation, residue mobility, and thermodynamic stability) indicates that this missense variant is not expected to disrupt BRCA2 protein function with a negative predictive value of 95%. In summary, the available evidence is currently insufficient to determine the role of this variant in disease. Therefore, it has been classified as a Variant of Uncertain Significance.

Color Diagnostics, LLC DBA Color Health
Classification: Uncertain significance for Hereditary cancer-predisposing syndrome. Last evaluated: 2023-12-05. Review status: criteria provided, single submitter. Criteria: ACMG Guidelines, 2015. Collection method: clinical testing. Allele origin: germline.
Comment: This missense variant replaces cysteine with arginine at codon 1573 of the BRCA2 protein. Computational prediction suggests that this variant may not impact protein structure and function (internally defined REVEL score threshold <= 0.5, PMID: 27666373). To our knowledge, functional studies have not been reported for this variant. This variant has not been reported in individuals affected with BRCA2-related disorders in the literature. This variant has not been identified in the general population by the Genome Aggregation Database (gnomAD). The available evidence is insufficient to determine the role of this variant in disease conclusively. Therefore, this variant is classified as a Variant of Uncertain Significance.

University of Washington Department of Laboratory Medicine, University of Washington
Classification: Likely benign for Hereditary cancer-predisposing syndrome. Last evaluated: 2023-03-23. Review status: criteria provided, single submitter. Criteria: Dines et al. (Genet Med. 2020). Collection method: curation. Allele origin: germline.
Comment: Missense variant in a coldspot region where missense variants are very unlikely to be pathogenic (PMID:31911673).

BRCA2 exon 11 coldspot. Reclassification based on statistical prior probability.